The following is an entry in ClinVar:

ClinVar aggregate classification (germline): Pathogenic (1 of 4 stars; one submission).

Conditions:
Developmental and epileptic encephalopathy, 1 (DEE1). Also called: X-linked infantile spasms; West's syndrome; Tonic spasms with clustering, arrest of psychomotor development and hypsarrhythmia on EEG; X-Linked Infantile Spasm Syndrome; OHTAHARA SYNDROME, X-LINKED; INFANTILE SPASM SYNDROME, X-LINKED 1. Identifiers: MedGen C3463992, MONDO:0010632, OMIM 308350. Disease mechanism: loss of function.
Intellectual disability, X-linked, with or without seizures, ARX-related. Also called: MENTAL RETARDATION, X-LINKED 29; MENTAL RETARDATION, X-LINKED 32; MENTAL RETARDATION, X-LINKED 33; MENTAL RETARDATION, X-LINKED 38; MENTAL RETARDATION, X-LINKED 43; MENTAL RETARDATION, X-LINKED 76. Identifiers: Orphanet 777, MedGen C0796244, MONDO:0010317, OMIM 300419.

Submission:

Labcorp Genetics (formerly Invitae), Labcorp
Classification: Pathogenic for Developmental and epileptic encephalopathy, 1; Intellectual disability, X-linked, with or without seizures, ARX-related. Last evaluated: 2022-02-25. Review status: criteria provided, single submitter. Criteria: Invitae Variant Classification Sherloc (09022015). Collection method: clinical testing. Allele origin: germline.
Comment: This sequence change creates a premature translational stop signal (p.Pro127Argfs*14) in the ARX gene. It is expected to result in an absent or disrupted protein product. Loss-of-function variants in ARX are known to be pathogenic (PMID: 19439424, 19738637). The frequency data for this variant in the population databases is considered unreliable, as metrics indicate insufficient coverage at this position in the gnomAD database. This variant has not been reported in the literature in individuals affected with ARX-related conditions. For these reasons, this variant has been classified as Pathogenic.

Literature cited by the submitters: PubMed 19439424; PubMed 19738637.

NM_139058.3(ARX):c.378_459del (p.Pro127fs)

Genes: ARX (aristaless related homeobox; minus strand), LOC109610631 (aristaless related homeobox polyalanine expansion region; plus strand). Cytogenetic location: Xp21.3.
Variant type: Deletion.
Coding change: c.378_459del on transcript NM_139058.3 (MANE Select); coding-DNA positions 378 to 459, 82 bases deleted.
Protein change: p.Pro127fs; shifts the reading frame from proline 127.
Molecular consequence: frameshift variant.
Genome position (GRCh38, 1-based): chrX:25,013,536-25,013,617, 82 bases deleted. GRCh37 (hg19): chrX:25,031,655-25,031,736.
Other names: short protein forms P127fs.
Identifiers: ClinVar variation 2103487 (VCV002103487.4), dbSNP rs2519107314, ClinGen allele CA2580100527.